The following is an entry in ClinVar:

NM_170699.3(GPBAR1):c.12C>T (p.Asn4=)

Gene: GPBAR1 (G protein-coupled bile acid receptor 1; plus strand). Cytogenetic location: 2q35.
Variant type: single nucleotide variant.
Coding change: c.12C>T on transcript NM_170699.3 (MANE Select); coding-DNA position 12, C replaced by T.
Protein change: p.Asn4=; no amino-acid change (asparagine 4 retained).
Molecular consequence: synonymous variant.
Genome position (GRCh38, 1-based): chr2:218,262,736, C>T. VCF-style: chr2-218262736-C-T. GRCh37 (hg19) VCF-style: chr2-219127459-C-T.
Other names: c.12C>T, p.Asn4= (NM_001077191.2, NM_001077194.2, NM_001321950.2).
Identifiers: ClinVar variation 3358501 (VCV003358501.1).

ClinVar aggregate classification (germline): Likely benign (0 of 4 stars; one submission).

Conditions:
GPBAR1-related disorder. Also called: GPBAR1-related condition.

Submission:

PreventionGenetics, part of Exact Sciences
Classification: Likely benign for GPBAR1-related condition. Last evaluated: 2024-09-23. Review status: no assertion criteria provided. Collection method: clinical testing. Allele origin: germline.
Comment: This variant is classified as likely benign based on ACMG/AMP sequence variant interpretation guidelines (Richards et al. 2015 PMID: 25741868, with internal and published modifications).